The following is an entry in ClinVar:

NM_052813.5(CARD9):c.1351_1354del (p.Asp451fs)

Gene: CARD9 (caspase recruitment domain family member 9; minus strand). Cytogenetic location: 9q34.3.
Variant type: Deletion.
Coding change: c.1351_1354del on transcript NM_052813.5 (MANE Select); coding-DNA positions 1351 to 1354, 4 bases deleted (GACA; older notation c.1351_1354delGACA).
Protein change: p.Asp451fs; shifts the reading frame from aspartic acid 451.
Molecular consequence: frameshift variant.
Genome position (GRCh38, 1-based): chr9:136,366,803-136,366,806, TGTC deleted on the plus strand (GACA on the coding strand, the reverse complement: CARD9 is on the minus strand); deleting any 4 consecutive bases within chr9:136,366,803-136,366,808 gives the same sequence; the c. name uses the placement nearest the transcript's 3' end. VCF-style (leftmost placement, unchanged base first): chr9-136366802-TTGTC-T. GRCh37 (hg19) VCF-style: chr9-139261254-TTGTC-T.
Other names: c.1351_1354delGACA (NM_052813.4); c.1351_1354del, p.Asp451fs (NM_052814.4); short protein forms D451fs.
Identifiers: ClinVar variation 575157 (VCV000575157.9), dbSNP rs746470735, ClinGen allele CA5332695.
Genomic context (GRCh38, chr9:136,366,802, plus strand): 5'-ATGGGCCTCACTTGGGGAAGCTGGGAGGCCTCTGGGTGTACTGCTGTCCCCACCTCACCT[TTGTC>T]TGAGAGCTGGGTGTCCTCCAGGTCCTGGGGGAGTGAGAGCTTCCAAAGAGAGTCAAGATG-3'

ClinVar aggregate classification (germline): Pathogenic/Likely pathogenic. Review status: criteria provided, multiple submitters, no conflicts (2 of 4 stars). 3 submissions from 3 submitters: Pathogenic (1); Likely pathogenic (2). Last evaluated 2022-08-10.

Conditions:
CARD9-related disorder. Also called: CARD9-related condition.
Predisposition to invasive fungal disease due to CARD9 deficiency (IMD103). Also called: IMMUNODEFICIENCY 103, SUSCEPTIBILITY TO FUNGAL INFECTIONS; Candidiasis, familial, 2, autosomal recessive; CARD9 IMMUNODEFICIENCY. Identifiers: Orphanet 457088, MedGen C1859353, MONDO:0008905, OMIM 212050.

Submissions (3):

Labcorp Genetics (formerly Invitae), Labcorp
Classification: Pathogenic for Predisposition to invasive fungal disease due to CARD9 deficiency. Last evaluated: 2022-08-10. Review status: criteria provided, single submitter. Criteria: Invitae Variant Classification Sherloc (09022015). Collection method: clinical testing. Allele origin: germline.
Comment: This sequence change creates a premature translational stop signal (p.Asp451Lysfs*31) in the CARD9 gene. It is expected to result in an absent or disrupted protein product. Loss-of-function variants in CARD9 are known to be pathogenic (PMID: 19864672, 24131138, 24231284). This variant is present in population databases (rs746470735, gnomAD 0.0009%). This variant has not been reported in the literature in individuals affected with CARD9-related conditions. ClinVar contains an entry for this variant (Variation ID: 575157). For these reasons, this variant has been classified as Pathogenic.

Fulgent Genetics
Classification: Likely pathogenic for Predisposition to invasive fungal disease due to CARD9 deficiency. Last evaluated: 2022-04-18. Review status: criteria provided, single submitter. Criteria: ACMG Guidelines, 2015. Collection method: clinical testing. Allele origin: unknown.

Blueprint Genetics
Classification: Likely pathogenic for CARD9-related disorders. Last evaluated: 2021-01-14. Review status: criteria provided, single submitter. Criteria: ACMG Guidelines, 2015. Collection method: clinical testing. Allele origin: germline. Affected: yes. Observed: 2 variant alleles.

Literature cited by the submitters: PubMed 19864672 (cited by Labcorp Genetics (formerly Invitae), Labcorp); PubMed 24131138 (cited by Labcorp Genetics (formerly Invitae), Labcorp); PubMed 24231284 (cited by Labcorp Genetics (formerly Invitae), Labcorp).